The following is an entry in ClinVar:

ClinVar aggregate classification (germline): Likely pathogenic (1 of 4 stars; one submission).

Conditions:
Dilated cardiomyopathy 1I (CMD1I). Identifiers: Orphanet 154, MedGen C1858154, MONDO:0011482, OMIM 604765.
Desmin-related myofibrillar myopathy (MFM1). Also called: Desmin related myopathy (former name); Desmin storage myopathy (former name); Myofibrillar myopathy 1; MYOFIBRILLAR MYOPATHY WITH ARRHYTHMOGENIC RIGHT VENTRICULAR CARDIOMYOPATHY; DESMIN-RELATED MYOPATHY WITH ARRHYTHMOGENIC RIGHT VENTRICULAR CARDIOMYOPATHY; Desminopathy. Identifiers: Orphanet 363543, Orphanet 98909, MedGen C1832370, MONDO:0011076, OMIM 601419.
Neurogenic scapuloperoneal syndrome, Kaeser type (SCPNK). Also called: KAESER SYNDROME. Identifiers: Orphanet 85146, MedGen C1867005, MONDO:0008407, OMIM 181400.

Submission:

Juno Genomics, Hangzhou Juno Genomics, Inc
Classification: Likely pathogenic for Dilated cardiomyopathy 1I; Desmin-related myofibrillar myopathy; Neurogenic scapuloperoneal syndrome, Kaeser type. Review status: criteria provided, single submitter. Criteria: ACMG Guidelines, 2015. Collection method: clinical testing. Allele origin: germline.
Comment: Null variant in a gene where loss of function (LOF) is a known mechanism of disease.;Absent from controls (or at extremely low frequency if recessive) in Genome Aggregation Database.

NM_001927.4(DES):c.944dup (p.Gln316fs)

Gene: DES (desmin; plus strand). Cytogenetic location: 2q35.
Variant type: Duplication.
Coding change: c.944dup on transcript NM_001927.4 (MANE Select); coding-DNA position 944, one base duplicated (G; older notation c.944dupG).
Protein change: p.Gln316fs; shifts the reading frame from glutamine 316.
Molecular consequence: frameshift variant. On other transcripts: intron variant (1).
Genome position (GRCh38, 1-based): chr2:219,420,874, G duplicated. VCF-style (leftmost placement, unchanged base first): chr2-219420873-C-CG. GRCh37 (hg19) VCF-style: chr2-220285595-C-CG.
Other names: c.941dup, p.Gln315fs (NM_001382708.1); c.944dup, p.Gln316fs (NM_001382710.1, NM_001382711.1, NM_001382712.1); c.674dup, p.Gln226fs (NM_001382713.1); c.735+528dup (NM_001382709.1); short protein forms Q226fs, Q315fs, Q316fs.
Identifiers: ClinVar variation 3382173 (VCV003382173.3).